The following is an entry in ClinVar:

NM_013266.4(CTNNA3):c.592C>A (p.Pro198Thr)

Gene: CTNNA3 (catenin alpha 3; minus strand). Cytogenetic location: 10q21.3.
Variant type: single nucleotide variant.
Coding change: c.592C>A on transcript NM_013266.4 (MANE Select); coding-DNA position 592, C replaced by A.
Protein change: p.Pro198Thr; replaces proline 198 with threonine.
Molecular consequence: missense variant.
Genome position (GRCh38, 1-based): chr10:67,219,858, G>T on the plus strand (C>A on the coding strand, the complement: CTNNA3 is on the minus strand). VCF-style: chr10-67219858-G-T. GRCh37 (hg19) VCF-style: chr10-68979616-G-T.
Other names: c.592C>A, p.Pro198Thr (NM_001127384.3); c.628C>A, p.Pro210Thr (NM_001291133.2); short protein forms P198T, P210T.
Identifiers: ClinVar variation 965621 (VCV000965621.12), dbSNP rs777817815, ClinGen allele CA5520537.

ClinVar aggregate classification (germline): Uncertain significance. Review status: criteria provided, multiple submitters, no conflicts (2 of 4 stars). 2 submissions from 2 submitters: Uncertain significance (2). Last evaluated 2025-04-14.

Conditions:
Arrhythmogenic right ventricular dysplasia 13. Also called: ARRHYTHMOGENIC RIGHT VENTRICULAR CARDIOMYOPATHY 13; Arrhythmogenic right ventricular dysplasia, familial, 13. Identifiers: MedGen C3810138, MONDO:0000908, OMIM 615616.

Allele frequency attached by ClinVar (database versions not stated): TOPMed 0.00001; gnomAD 0.00002; ExAC 0.00003.
gnomAD v4.1: 30 of 1,610,232 alleles (0.0019%); highest among the groups gnomAD compares: Admixed American, 0.0033%; no homozygotes.

Submissions (2):

Ambry Genetics
Classification: Uncertain significance. Last evaluated: 2025-04-14. Review status: criteria provided, single submitter. Criteria: Ambry Variant Classification Scheme 2023. Collection method: clinical testing. Allele origin: germline.
Comment: The p.P198T variant (also known as c.592C>A), located in coding exon 5 of the CTNNA3 gene, results from a C to A substitution at nucleotide position 592. The proline at codon 198 is replaced by threonine, an amino acid with highly similar properties. This amino acid position is conserved. In addition, this alteration is predicted to be tolerated by in silico analysis. Since supporting evidence is limited at this time, the clinical significance of this alteration remains unclear.

Labcorp Genetics (formerly Invitae), Labcorp
Classification: Uncertain significance for Arrhythmogenic right ventricular dysplasia 13. Last evaluated: 2023-02-18. Review status: criteria provided, single submitter. Criteria: Invitae Variant Classification Sherloc (09022015). Collection method: clinical testing. Allele origin: germline.
Comment: This variant is present in population databases (rs777817815, gnomAD 0.003%). This sequence change replaces proline, which is neutral and non-polar, with threonine, which is neutral and polar, at codon 198 of the CTNNA3 protein (p.Pro198Thr). This variant has not been reported in the literature in individuals affected with CTNNA3-related conditions. ClinVar contains an entry for this variant (Variation ID: 965621). Advanced modeling of protein sequence and biophysical properties (such as structural, functional, and spatial information, amino acid conservation, physicochemical variation, residue mobility, and thermodynamic stability) has been performed at Invitae for this missense variant, however the output from this modeling did not meet the statistical confidence thresholds required to predict the impact of this variant on CTNNA3 protein function. In summary, the available evidence is currently insufficient to determine the role of this variant in disease. Therefore, it has been classified as a Variant of Uncertain Significance.